The following is an entry in ClinVar:

ClinVar aggregate classification (germline): Benign. Review status: criteria provided, multiple submitters, no conflicts (2 of 4 stars). 2 submissions from 2 submitters: Benign (2). Last evaluated 2018-01-13.

Conditions:
Retinitis pigmentosa (RP). Identifiers: Orphanet 791, MedGen C0035334, MeSH D012174, MONDO:0019200, OMIM 268000. Inheritance: Autosomal dominant, autosomal recessive and X linked inheritance.

Allele frequency attached by ClinVar (database versions not stated): TOPMed 0.01117; 1000 Genomes Project 30x 0.01889; 1000 Genomes Project 0.02037.
gnomAD v4.1: 12,565 of 595,558 alleles (2.1%); highest among the groups gnomAD compares: South Asian, 7%; 279 homozygotes.

Submissions (2):

Illumina Laboratory Services, Illumina
Classification: Benign for Retinitis pigmentosa. Last evaluated: 2018-01-13. Review status: criteria provided, single submitter. Criteria: ICSL Variant Classification Criteria 13 December 2019. Collection method: clinical testing. Allele origin: germline.
Comment: This variant was observed in the ICSL laboratory as part of a predisposition screen in an ostensibly healthy population. It had not been previously curated by ICSL or reported in the Human Gene Mutation Database (HGMD: prior to June 1st, 2018), and was therefore a candidate for classification through an automated scoring system. Utilizing variant allele frequency, disease prevalence and penetrance estimates, and inheritance mode, an automated score was calculated to assess if this variant is too frequent to cause the disease. Based on the score and internal cut-off values, a variant classified as benign is not then subjected to further curation. The score for this variant resulted in a classification of benign for this disease.

Breakthrough Genomics
Classification: Benign. Review status: criteria provided, single submitter. Criteria: ACMG Guidelines, 2015. Collection method: not provided. Allele origin: germline. Inheritance: Autosomal dominant inheritance. Affected: yes.

NM_006445.4(PRPF8):c.-79C>T

Gene: PRPF8 (pre-mRNA processing factor 8; minus strand). Cytogenetic location: 17p13.3.
Variant type: single nucleotide variant.
Coding change: c.-79C>T on transcript NM_006445.4 (MANE Select); 79 bases upstream of the start codon, C replaced by T.
Molecular consequence: 5 prime UTR variant.
Genome position (GRCh38, 1-based): chr17:1,684,847, G>A on the plus strand (C>T on the coding strand, the complement: PRPF8 is on the minus strand). VCF-style: chr17-1684847-G-A. GRCh37 (hg19) VCF-style: chr17-1588141-G-A.
Identifiers: ClinVar variation 321932 (VCV000321932.6), dbSNP rs74635192, ClinGen allele CA10649583.